The following is an entry in ClinVar:

ClinVar aggregate classification (germline): Uncertain significance (1 of 4 stars; one submission).

Submission:

Labcorp Genetics (formerly Invitae), Labcorp
Classification: Uncertain significance. Last evaluated: 2022-08-13. Review status: criteria provided, single submitter. Criteria: Invitae Variant Classification Sherloc (09022015). Collection method: clinical testing. Allele origin: germline.
Comment: This sequence change falls in intron 1 of the TRMT5 gene. It does not directly change the encoded amino acid sequence of the TRMT5 protein. It affects a nucleotide within the consensus splice site. This variant is present in population databases (rs766088260, gnomAD 0.006%). This variant has not been reported in the literature in individuals affected with TRMT5-related conditions. Variants that disrupt the consensus splice site are a relatively common cause of aberrant splicing (PMID: 17576681, 9536098). Algorithms developed to predict the effect of sequence changes on RNA splicing suggest that this variant may disrupt the consensus splice site. In summary, the available evidence is currently insufficient to determine the role of this variant in disease. Therefore, it has been classified as a Variant of Uncertain Significance.

Literature cited by the submitters: PubMed 17576681; PubMed 9536098.

NM_020810.3(TRMT5):c.11+6del

Gene: TRMT5 (tRNA methyltransferase 5; minus strand). Cytogenetic location: 14q23.1.
Variant type: Deletion.
Coding change: c.11+6del on transcript NM_020810.3 (MANE Select); 6 bases into the intron after coding-DNA position 11, one base deleted (G; older notation c.11+6delG).
Molecular consequence: intron variant. On other transcripts: 5 prime UTR variant (1).
Genome position (GRCh38, 1-based): chr14:60,980,957, C deleted on the plus strand (G on the coding strand, the reverse complement: TRMT5 is on the minus strand); the first of 2 consecutive C bases (chr14:60,980,957-60,980,958); deleting either gives the same sequence. VCF-style (leftmost placement, unchanged base first): chr14-60980956-AC-A. GRCh37 (hg19) VCF-style: chr14-61447674-AC-A.
Other names: c.-22del (NM_001350254.1); c.95+67del (NM_001350253.1).
Identifiers: ClinVar variation 1902759 (VCV001902759.2), dbSNP rs766088260, ClinGen allele CA7214058.